The following is an entry in ClinVar:

NM_000135.4(FANCA):c.61G>C (p.Ala21Pro)

Genes: FANCA (FA complementation group A; minus strand), LOC112486223 (Sharpr-MPRA regulatory region 3988; plus strand). Cytogenetic location: 16q24.3.
Variant type: single nucleotide variant.
Coding change: c.61G>C on transcript NM_000135.4 (MANE Select); coding-DNA position 61, G replaced by C.
Protein change: p.Ala21Pro; replaces alanine 21 with proline.
Molecular consequence: missense variant.
Genome position (GRCh38, 1-based): chr16:89,816,555, C>G on the plus strand (G>C on the coding strand, the complement: FANCA is on the minus strand). VCF-style: chr16-89816555-C-G. GRCh37 (hg19) VCF-style: chr16-89882963-C-G.
Other names: c.61G>C, p.Ala21Pro (NM_001018112.3, NM_001286167.3, NM_001351830.2); short protein forms A21P.
Identifiers: ClinVar variation 4022347 (VCV004022347.1).

ClinVar aggregate classification (germline): Uncertain significance (1 of 4 stars; one submission).

Conditions:
Inborn genetic diseases. Identifiers: MedGen C0950123, MeSH D030342.

gnomAD v4.1: 1 of 1,510,358 alleles (0.000066%); highest among the groups gnomAD compares: Non-Finnish European, 0.000088%; no homozygotes.

Submission:

Ambry Genetics
Classification: Uncertain significance for Inborn genetic diseases. Last evaluated: 2025-06-06. Review status: criteria provided, single submitter. Criteria: Ambry Variant Classification Scheme 2023. Collection method: clinical testing. Allele origin: germline.
Comment: The p.A21P variant (also known as c.61G>C), located in coding exon 1 of the FANCA gene, results from a G to C substitution at nucleotide position 61. The alanine at codon 21 is replaced by proline, an amino acid with highly similar properties. This amino acid position is conserved. In addition, this alteration is predicted to be tolerated by in silico analysis. Based on the available evidence, the clinical significance of this variant remains unclear.